The following is an entry in ClinVar:

NM_000492.4(CFTR):c.2490+18G>T

Gene: CFTR (CF transmembrane conductance regulator; plus strand). Cytogenetic location: 7q31.2.
Variant type: single nucleotide variant.
Coding change: c.2490+18G>T on transcript NM_000492.4 (MANE Select); 18 bases into the intron after coding-DNA position 2490, G replaced by T.
Molecular consequence: intron variant.
Genome position (GRCh38, 1-based): chr7:117,592,675, G>T. VCF-style: chr7-117592675-G-T. GRCh37 (hg19) VCF-style: chr7-117232729-G-T.
Identifiers: ClinVar variation 3012633 (VCV003012633.4), dbSNP rs1285040098, ClinGen allele CA832107129.

ClinVar aggregate classification (germline): Likely benign. Review status: criteria provided, multiple submitters, no conflicts (2 of 4 stars). 2 submissions from 2 submitters: Likely benign (2). Last evaluated 2024-11-15.

Conditions:
Cystic fibrosis (CF). Also called: MUCOVISCIDOSIS. Identifiers: Orphanet 586, MedGen C0010674, MONDO:0009061, OMIM 219700. Disease mechanism: loss of function.

Allele frequency attached by ClinVar (database versions not stated): gnomAD 0.00001; TOPMed 0.00002.

Submissions (2):

Women's Health and Genetics/Laboratory Corporation of America, LabCorp
Classification: Likely benign. Last evaluated: 2024-11-15. Review status: criteria provided, single submitter. Criteria: LabCorp Variant Classification Summary - May 2015. Collection method: clinical testing. Allele origin: germline.
Comment: Variant summary: CFTR c.2490+18G>T alters a non-conserved nucleotide located at a position not widely known to affect splicing. Consensus agreement among computation tools predict no significant impact on normal splicing. However, these predictions have yet to be confirmed by functional studies. The variant was absent in 171970 control chromosomes. The available data on variant occurrences in the general population are insufficient to allow any conclusion about variant significance. To our knowledge, no occurrence of c.2490+18G>T in individuals affected with Chronic Pancreatitis Risk and no experimental evidence demonstrating its impact on protein function have been reported. ClinVar contains an entry for this variant (Variation ID: 3012633). Based on the evidence outlined above, the variant was classified as likely benign.

Labcorp Genetics (formerly Invitae), Labcorp
Classification: Likely benign for Cystic fibrosis. Last evaluated: 2024-02-11. Review status: criteria provided, single submitter. Criteria: Invitae Variant Classification Sherloc (09022015). Collection method: clinical testing. Allele origin: germline.